The following is an entry in ClinVar:

NM_201384.3(PLEC):c.12339G>C (p.Gln4113His)

Gene: PLEC (plectin; minus strand). Cytogenetic location: 8q24.3.
Variant type: single nucleotide variant.
Coding change: c.12339G>C on transcript NM_201384.3 (MANE Select); coding-DNA position 12339, G replaced by C.
Protein change: p.Gln4113His; replaces glutamine 4113 with histidine.
Molecular consequence: missense variant.
Genome position (GRCh38, 1-based): chr8:143,917,482, C>G on the plus strand (G>C on the coding strand, the complement: PLEC is on the minus strand). VCF-style: chr8-143917482-C-G. GRCh37 (hg19) VCF-style: chr8-144991650-C-G.
Other names: c.12420G>C (NM_000445.3); c.12297G>C, p.Gln4099His (NM_201378.4); c.12273G>C, p.Gln4091His (NM_201379.3); c.12750G>C, p.Gln4250His (NM_201380.4); c.12243G>C, p.Gln4081His (NM_201381.3); c.12339G>C, p.Gln4113His (NM_201382.4); c.12351G>C, p.Gln4117His (NM_201383.3); c.12420G>C, p.Gln4140His (NM_000445.5); and 1 more; short protein forms Q4081H, Q4113H, Q4091H, Q4250H, Q3013H, Q4099H, Q4140H, Q4117H.
Identifiers: ClinVar variation 2922282 (VCV002922282.4), dbSNP rs782778503, ClinGen allele CA4924117.

ClinVar aggregate classification (germline): Uncertain significance. Review status: criteria provided, multiple submitters, no conflicts (2 of 4 stars). 2 submissions from 2 submitters: Uncertain significance (2). Last evaluated 2025-11-06.

Conditions:
Epidermolysis bullosa simplex with nail dystrophy (EBS5D). Identifiers: MedGen C4225309, MONDO:0014661, OMIM 616487.
Epidermolysis bullosa simplex, Ogna type (EBS5A). Also called: EPIDERMOLYSIS BULLOSA SIMPLEX 5A, OGNA TYPE; Pidermolysis bullosa simplex 5A, Ogna type. Identifiers: Orphanet 79401, MedGen C0432317, MONDO:0007555, OMIM 131950.
Epidermolysis bullosa simplex 5C, with pyloric atresia (EBS5C). Also called: PLEC1-Related Epidermolysis Bullosa with Pyloric Atresia; PLEC-Related Epidermolysis Bullosa with Pyloric Atresia; Epidermolysis bullosa simplex with pyloric atresia. Identifiers: Orphanet 158684, MedGen C2677349, MONDO:0012807, OMIM 612138.
Autosomal recessive limb-girdle muscular dystrophy type 2Q (LGMDR17). Also called: MUSCULAR DYSTROPHY, LIMB-GIRDLE, AUTOSOMAL RECESSIVE 17. Identifiers: Orphanet 254361, MedGen C3150989, MONDO:0013390, OMIM 613723.
Epidermolysis bullosa simplex 5B, with muscular dystrophy (EBS5B). Also called: EPIDERMOLYSIS BULLOSA SIMPLEX AND LIMB-GIRDLE MUSCULAR DYSTROPHY; Epidermolysis bullosa simplex with muscular dystrophy. Identifiers: Orphanet 257, MedGen C2931072, MONDO:0009181, OMIM 226670.
Inborn genetic diseases. Identifiers: MedGen C0950123, MeSH D030342.

Allele frequency attached by ClinVar (database versions not stated): ExAC 0.00001; gnomAD 0.00001; TOPMed 0.00001; gnomAD exomes 0.00002.
gnomAD v4.1: 36 of 1,613,758 alleles (0.0022%); highest among the groups gnomAD compares: Non-Finnish European, 0.0025%; no homozygotes.

Submissions (2):

Labcorp Genetics (formerly Invitae), Labcorp
Classification: Uncertain significance for Autosomal recessive limb-girdle muscular dystrophy type 2Q; Epidermolysis bullosa simplex, Ogna type; Epidermolysis bullosa simplex with nail dystrophy; Epidermolysis bullosa simplex 5C, with pyloric atresia; Epidermolysis bullosa simplex 5B, with muscular dystrophy. Last evaluated: 2025-11-06. Review status: criteria provided, single submitter. Criteria: Invitae Variant Classification Sherloc (09022015). Collection method: clinical testing. Allele origin: germline.
Comment: This sequence change replaces glutamine, which is neutral and polar, with histidine, which is basic and polar, at codon 4140 of the PLEC protein (p.Gln4140His). This variant is present in population databases (rs782778503, gnomAD 0.007%). This variant has not been reported in the literature in individuals affected with PLEC-related conditions. ClinVar contains an entry for this variant (Variation ID: 2922282). Invitae Evidence Modeling of protein sequence and biophysical properties (such as structural, functional, and spatial information, amino acid conservation, physicochemical variation, residue mobility, and thermodynamic stability) indicates that this missense variant is not expected to disrupt PLEC protein function with a negative predictive value of 80%. In summary, the available evidence is currently insufficient to determine the role of this variant in disease. Therefore, it has been classified as a Variant of Uncertain Significance.

Ambry Genetics
Classification: Uncertain significance for Inborn genetic diseases. Last evaluated: 2025-05-29. Review status: criteria provided, single submitter. Criteria: Ambry Variant Classification Scheme 2023. Collection method: clinical testing. Allele origin: germline.